The following is an entry in ClinVar:

ClinVar aggregate classification (germline): Conflicting classifications of pathogenicity. Review status: criteria provided, conflicting classifications (1 of 4 stars). 4 submissions from 4 submitters: Uncertain significance (3); Likely benign (1). Last evaluated 2026-01-20.

Allele frequency attached by ClinVar (database versions not stated): ESP Exome Variant Server 0.00008; gnomAD 0.00010 and 0.00011; ExAC 0.00011; gnomAD exomes 0.00012 and 0.00026; TOPMed 0.00014.
gnomAD v4.1: 379 of 1,613,340 alleles (0.023%); highest among the groups gnomAD compares: Non-Finnish European, 0.031%; 1 homozygote.

Submissions (4):

Labcorp Genetics (formerly Invitae), Labcorp
Classification: Likely benign. Last evaluated: 2026-01-20. Review status: criteria provided, single submitter. Criteria: Invitae Variant Classification Sherloc (09022015). Collection method: clinical testing. Allele origin: germline.

Blueprint Genetics
Classification: Uncertain significance. Last evaluated: 2024-11-26. Review status: criteria provided, single submitter. Criteria: ACMG Guidelines, 2015. Collection method: clinical testing. Allele origin: germline.

GeneDx
Classification: Uncertain significance. Last evaluated: 2024-09-04. Review status: criteria provided, single submitter. Criteria: GeneDx Variant Classification Process June 2021. Collection method: clinical testing. Allele origin: germline. Affected: yes.
Comment: In silico analysis indicates that this missense variant does not alter protein structure/function; Has not been previously published as pathogenic or benign to our knowledge

Laboratory for Molecular Medicine, Mass General Brigham Personalized Medicine
Classification: Uncertain significance. Last evaluated: 2015-05-12. Review status: criteria provided, single submitter. Criteria: LMM Criteria. Collection method: clinical testing. Allele origin: germline. Observed: 1 variant allele.
Comment: The p.Ser333Asn variant in DFNB31 has not been previously reported in individual s with hearing loss, but has been identified in 13/66006 European chromosomes by the Exome Aggregation Consortium (ExAC; dbSNP r s200073414). Although this variant has been seen in the general population, its frequency is not high enough to rule out a pathogenic role. Computational predic tion tools and conservation analysis suggest that the p.Ser333Asn variant may no t impact the protein, though this information is not predictive enough to rule o ut pathogenicity. In summary, the clinical significance of the p.Ser333Asn varia nt is uncertain.

NM_015404.4(WHRN):c.998G>A (p.Ser333Asn)

Gene: WHRN (whirlin; minus strand). Cytogenetic location: 9q32.
Variant type: single nucleotide variant.
Coding change: c.998G>A on transcript NM_015404.4 (MANE Select); coding-DNA position 998, G replaced by A.
Protein change: p.Ser333Asn; replaces serine 333 with asparagine.
Molecular consequence: missense variant. On other transcripts: 5 prime UTR variant (1).
Genome position (GRCh38, 1-based): chr9:114,426,379, C>T on the plus strand (G>A on the coding strand, the complement: WHRN is on the minus strand). VCF-style: chr9-114426379-C-T. GRCh37 (hg19) VCF-style: chr9-117188659-C-T.
Other names: c.-152G>A (NM_001083885.3); c.998G>A, p.Ser333Asn (NM_001173425.2); short protein forms S333N.
Identifiers: ClinVar variation 228568 (VCV000228568.20), dbSNP rs200073414, ClinGen allele CA5206098.